The following is an entry in ClinVar:

ClinVar aggregate classification (germline): Benign/Likely benign. Review status: criteria provided, multiple submitters, no conflicts (2 of 4 stars). 3 submissions from 3 submitters: Benign (1); Likely benign (2). Last evaluated 2025-12-22.

Conditions:
Renal cell carcinoma. Identifiers: Orphanet 217071, MedGen C0007134, MeSH D002292, MONDO:0005086, HP:0005584.
Hereditary cancer-predisposing syndrome. Also called: Tumor predisposition; Hereditary neoplastic syndrome; Hereditary Cancer Syndrome; Neoplastic Syndromes, Hereditary. Identifiers: Orphanet 140162, MedGen C0027672, MeSH D009386, MONDO:0015356.
Papillary renal cell carcinoma type 1 (RCCP1). Also called: Renal adenocarcinoma; Renal cell carcinoma 1; Renal cell carcinoma, somatic; RENAL CELL CARCINOMA, PAPILLARY, 1, SOMATIC. Identifiers: Orphanet 47044, MedGen C1336839, OMIM 605074, HP:0011797.

gnomAD v4.1: 1 of 1,614,016 alleles (0.000062%); highest among the groups gnomAD compares: South Asian, 0.0011%; no homozygotes.

Submissions (3):

Labcorp Genetics (formerly Invitae), Labcorp
Classification: Likely benign for Renal cell carcinoma. Last evaluated: 2025-12-22. Review status: criteria provided, single submitter. Criteria: Invitae Variant Classification Sherloc (09022015). Collection method: clinical testing. Allele origin: germline.

Myriad Genetics, Inc.
Classification: Benign for Papillary renal cell carcinoma type 1. Last evaluated: 2024-11-06. Review status: criteria provided, single submitter. Criteria: Myriad Autosomal Dominant, Autosomal Recessive and X-Linked Classification Criteria (2023). Collection method: clinical testing. Allele origin: unknown.
Comment: This variant is considered benign. This variant is a silent/synonymous amino acid change and it is not expected to impact splicing.

Ambry Genetics
Classification: Likely benign for Hereditary cancer-predisposing syndrome. Last evaluated: 2024-08-17. Review status: criteria provided, single submitter. Criteria: Ambry Variant Classification Scheme 2023. Collection method: clinical testing. Allele origin: germline.

NM_000245.4(MET):c.135C>T (p.Asn45=)

Gene: MET (MET proto-oncogene, receptor tyrosine kinase; plus strand). Cytogenetic location: 7q31.2.
Variant type: single nucleotide variant.
Coding change: c.135C>T on transcript NM_000245.4 (MANE Select); coding-DNA position 135, C replaced by T.
Protein change: p.Asn45=; no amino-acid change (asparagine 45 retained).
Molecular consequence: synonymous variant. On other transcripts: intron variant (1).
Genome position (GRCh38, 1-based): chr7:116,699,219, C>T. VCF-style: chr7-116699219-C-T. GRCh37 (hg19) VCF-style: chr7-116339273-C-T.
Other names: c.135C>T, p.Asn45= (NM_001127500.3, NM_001324401.3); c.-91+26642C>T (NM_001324402.2).
Identifiers: ClinVar variation 2148518 (VCV002148518.6), dbSNP rs1562883006, ClinGen allele CA457447955.
Genomic context (GRCh38, chr7:116,699,219, plus strand): 5'-GTGTAAAGAGGCACTAGCAAAGTCCGAGATGAATGTGAATATGAAGTATCAGCTTCCCAA[C>T]TTCACCGCGGAAACACCCATCCAGAATGTCATTCTACATGAGCATCACATTTTCCTTGGT-3'
Protein context (NP_000236.2, residues 35-55): MNVNMKYQLP[Asn45=]FTAETPIQNV